The following is an entry in ClinVar:

ClinVar aggregate classification (germline): Pathogenic. Review status: reviewed by expert panel (3 of 4 stars). 3 submissions from 3 submitters: Pathogenic (1). 2 of the submissions do not count toward it. Last evaluated 2016-10-18.

Conditions:
Hereditary breast ovarian cancer syndrome. Also called: Hereditary breast and ovarian cancer syndrome (HBOC); Breast and ovarian cancer; Hereditary breast and ovarian cancer syndrome; Hereditary breast and ovarian cancer; BRCA1- and BRCA2-Associated Hereditary Breast and Ovarian Cancer; Hereditary breast and/or ovarian cancer syndrome. Identifiers: Orphanet 145, MedGen C0677776, MeSH D061325, MONDO:0003582. Disease mechanism: loss of function.
Breast-ovarian cancer, familial, susceptibility to, 1 (BROVCA1). Also called: BRCA1 Hereditary Breast and Ovarian Cancer; OVARIAN CANCER, SUSCEPTIBILITY TO. Identifiers: Orphanet 145, MedGen C2676676, MONDO:0011450, OMIM 604370. Disease mechanism: loss of function.

Submissions (3):

Evidence-based Network for the Interpretation of Germline Mutant Alleles (ENIGMA)
Classification: Pathogenic for Breast-ovarian cancer, familial, susceptibility to, 1. Last evaluated: 2016-10-18. Review status: reviewed by expert panel. Criteria: ENIGMA BRCA1/2 Classification Criteria (2015). Collection method: curation. Allele origin: germline.
Comment: Variant allele predicted to encode a truncated non-functional protein.

Labcorp Genetics (formerly Invitae), Labcorp
Classification: Pathogenic for Hereditary breast ovarian cancer syndrome. Last evaluated: 2023-12-16. Review status: criteria provided, single submitter. Criteria: Invitae Variant Classification Sherloc (09022015). Collection method: clinical testing. Allele origin: germline. Not counted in ClinVar's aggregate classification.
Comment: This sequence change creates a premature translational stop signal (p.Ser1330Argfs*5) in the BRCA1 gene. It is expected to result in an absent or disrupted protein product. Loss-of-function variants in BRCA1 are known to be pathogenic (PMID: 20104584). This variant is not present in population databases (gnomAD no frequency). This variant has not been reported in the literature in individuals affected with BRCA1-related conditions. ClinVar contains an entry for this variant (Variation ID: 266426). Algorithms developed to predict the effect of sequence changes on RNA splicing suggest that this variant may disrupt the consensus splice site. For these reasons, this variant has been classified as Pathogenic.

Consortium of Investigators of Modifiers of BRCA1/2 (CIMBA), c/o University of Cambridge
Classification: Pathogenic for Breast-ovarian cancer, familial, susceptibility to, 1. Last evaluated: 2015-10-02. Review status: criteria provided, single submitter. Criteria: CIMBA Mutation Classification guidelines May 2016. Collection method: clinical testing. Allele origin: germline. Not counted in ClinVar's aggregate classification.

Literature cited by the submitters: PubMed 20104584 (cited by Labcorp Genetics (formerly Invitae), Labcorp).

NM_007294.4(BRCA1):c.3990_3993del (p.Ser1330fs)

Genes: BRCA1 (BRCA1 DNA repair associated; minus strand), LOC126862571 (BRD4-independent group 4 enhancer GRCh37_chr17:41243136-41244335; plus strand). Cytogenetic location: 17q21.31.
Variant type: Deletion.
Coding change: c.3990_3993del on transcript NM_007294.4 (MANE Select); coding-DNA positions 3990 to 3993, 4 bases deleted (CCAG; older notation c.3990_3993delCCAG).
Protein change: p.Ser1330fs; shifts the reading frame from serine 1330.
Molecular consequence: frameshift variant. On other transcripts: intron variant (135).
Genome position (GRCh38, 1-based): chr17:43,091,538-43,091,541, CTGG deleted on the plus strand (CCAG on the coding strand, the reverse complement: BRCA1 is on the minus strand); deleting any 4 consecutive bases within chr17:43,091,538-43,091,543 gives the same sequence; the c. name uses the placement nearest the transcript's 3' end. VCF-style (leftmost placement, unchanged base first): chr17-43091537-CCTGG-C. GRCh37 (hg19) VCF-style: chr17-41243554-CCTGG-C.
Other names: 4109del4; c.3777_3780del, p.Ser1259fs (NM_001407571.1, NM_001407853.1, NM_001407894.1 and 9 more transcripts); c.3990_3993del, p.Ser1330fs (NM_001407581.1, NM_001407582.1, NM_001407583.1 and 30 more transcripts); c.3987_3990del, p.Ser1329fs (NM_001407587.1, NM_001407590.1, NM_001407591.1 and 22 more transcripts); c.3981_3984del, p.Ser1327fs (NM_001407646.1, NM_001407647.1); c.3867_3870del, p.Ser1289fs (NM_001407648.1, NM_001407664.1, NM_001407665.1 and 19 more transcripts); c.3864_3867del, p.Ser1288fs (NM_001407649.1, NM_001407670.1, NM_001407671.1 and 11 more transcripts); c.3912_3915del, p.Ser1304fs (NM_001407653.1, NM_001407654.1, NM_001407655.1 and 4 more transcripts); and 43 more; short protein forms S1283fs, S1330fs, S1202fs, S1259fs, S1282fs, S1303fs, S1304fs, S1162fs.
Identifiers: ClinVar variation 266426 (VCV000266426.9), dbSNP rs886040184, ClinGen allele CA10589705.